The following is an entry in ClinVar:

ClinVar aggregate classification (germline): Pathogenic. Review status: criteria provided, multiple submitters, no conflicts (2 of 4 stars). 3 submissions from 3 submitters: Pathogenic (2). 1 of the submissions does not count toward it. Last evaluated 2025-03-20.

Conditions:
Charcot-Marie-Tooth disease type 4. Also called: Charcot-Marie-Tooth disease, type IV; Charcot-Marie-Tooth, Type 4. Identifiers: Orphanet 64749, MedGen C4082197, MONDO:0018995.
Charcot-Marie-Tooth disease. Also called: Charcot-Marie-Tooth Hereditary Neuropathy; Charcot-Marie-Tooth Neuropathy. Identifiers: Orphanet 166, MedGen C0007959, MONDO:0015626.
Charcot-Marie-Tooth disease type 4B2. Also called: Charcot-Marie-Tooth Neuropathy Type 4B2; CHARCOT-MARIE-TOOTH DISEASE, WITH FOCALLY FOLDED MYELIN SHEATHS, AUTOSOMAL RECESSIVE, TYPE 4B2; CHARCOT-MARIE-TOOTH DISEASE, DEMYELINATING, TYPE 4B2; CMT 4B2. Identifiers: Orphanet 99956, MedGen C1858278, MONDO:0011475, OMIM 604563.

Allele frequency attached by ClinVar (database versions not stated): gnomAD exomes 0.00001.
gnomAD v4.1: 8 of 1,608,542 alleles (0.0005%); highest among the groups gnomAD compares: East Asian, 0.0045%; no homozygotes.

Submissions (3):

3billion
Classification: Pathogenic for Charcot-Marie-Tooth disease type 4B2. Last evaluated: 2025-03-20. Review status: criteria provided, single submitter. Criteria: ACMG Guidelines, 2015. Collection method: clinical testing. Allele origin: germline. Affected: yes.
Comment: The variant is observed at an extremely low frequency in the gnomAD v4.1.0 dataset (total allele frequency: <0.001%). Predicted Consequence/Location: Stop-gained (nonsense): predicted to result in a loss or disruption of normal protein function through nonsense-mediated decay (NMD) or protein truncation. Multiple pathogenic variants are reported downstream of the variant. The variant was homozygous. The variant has been reported to be associated with SBF2-related disorder (ClinVar ID: VCV000637855 / PMID: 24627108). Therefore, this variant is classified as Pathogenic according to the recommendation of ACMG/AMP guideline.

Labcorp Genetics (formerly Invitae), Labcorp
Classification: Pathogenic for Charcot-Marie-Tooth disease type 4. Last evaluated: 2022-09-23. Review status: criteria provided, single submitter. Criteria: Invitae Variant Classification Sherloc (09022015). Collection method: clinical testing. Allele origin: germline.
Comment: For these reasons, this variant has been classified as Pathogenic. ClinVar contains an entry for this variant (Variation ID: 637855). This premature translational stop signal has been observed in individual(s) with clinical features of SBF2-related conditions (PMID: 24627108, 31070812). The frequency data for this variant in the population databases is considered unreliable, as metrics indicate poor data quality at this position in the gnomAD database. This sequence change creates a premature translational stop signal (p.Arg356*) in the SBF2 gene. It is expected to result in an absent or disrupted protein product. Loss-of-function variants in SBF2 are known to be pathogenic (PMID: 12687498, 25873783).

Inherited Neuropathy Consortium
Classification: Uncertain significance for Charcot-Marie-Tooth disease. Review status: no assertion criteria provided. Collection method: literature only. Allele origin: germline. Affected: yes. Not counted in ClinVar's aggregate classification.

Literature cited by the submitters: PubMed 24627108 (cited by 3 submitters); PubMed 31070812 (cited by Labcorp Genetics (formerly Invitae), Labcorp); PubMed 12687498 (cited by Labcorp Genetics (formerly Invitae), Labcorp); PubMed 25873783 (cited by Labcorp Genetics (formerly Invitae), Labcorp).

NM_030962.4(SBF2):c.1066C>T (p.Arg356Ter)

Gene: SBF2 (SET binding factor 2; minus strand). Cytogenetic location: 11p15.4.
Variant type: single nucleotide variant.
Coding change: c.1066C>T on transcript NM_030962.4 (MANE Select); coding-DNA position 1066, C replaced by T.
Protein change: p.Arg356Ter; replaces arginine 356 with a stop codon.
Molecular consequence: nonsense.
Genome position (GRCh38, 1-based): chr11:9,993,091, G>A on the plus strand (C>T on the coding strand, the complement: SBF2 is on the minus strand). VCF-style: chr11-9993091-G-A. GRCh37 (hg19) VCF-style: chr11-10014638-G-A.
Other names: c.1066C>T, p.Arg356Ter (NM_001386339.1, NM_001386342.1); short protein forms R356*.
Identifiers: ClinVar variation 637855 (VCV000637855.7), dbSNP rs1032796987, ClinGen allele CA379638005.